The following is an entry in ClinVar:

ClinVar aggregate classification (germline): Likely benign. Review status: criteria provided, single submitter (1 of 4 stars). 2 submissions from 2 submitters: Likely benign (1). 1 of the submissions does not count toward it. Last evaluated 2026-01-09.

Conditions:
SP110-related disorder. Also called: SP110-related condition.
Hepatic veno-occlusive disease-immunodeficiency syndrome. Also called: Hepatic Veno-Occlusive Disease with Immunodeficiency. Identifiers: Orphanet 79124, MedGen C1856128, MONDO:0009338, OMIM 235550. Disease mechanism: loss of function.

Allele frequency attached by ClinVar (database versions not stated): gnomAD below 0.00001 and 0.00003; TOPMed 0.00001; gnomAD exomes 0.00005 and 0.00013; ExAC 0.00013.
gnomAD v4.1: 83 of 1,613,802 alleles (0.0051%); highest among the groups gnomAD compares: South Asian, 0.089%; no homozygotes.

Submissions (2):

Labcorp Genetics (formerly Invitae), Labcorp
Classification: Likely benign for Hepatic veno-occlusive disease-immunodeficiency syndrome. Last evaluated: 2026-01-09. Review status: criteria provided, single submitter. Criteria: Invitae Variant Classification Sherloc (09022015). Collection method: clinical testing. Allele origin: germline.

PreventionGenetics, part of Exact Sciences
Classification: Likely benign for SP110-related condition. Last evaluated: 2019-06-28. Review status: no assertion criteria provided. Collection method: clinical testing. Allele origin: germline. Not counted in ClinVar's aggregate classification.
Comment: This variant is classified as likely benign based on ACMG/AMP sequence variant interpretation guidelines (Richards et al. 2015 PMID: 25741868, with internal and published modifications).

NM_080424.4(SP110):c.2100T>C (p.Gly700=)

Gene: SP110 (SP110 nuclear body protein; minus strand). Cytogenetic location: 2q37.1.
Variant type: single nucleotide variant.
Coding change: c.2100T>C on transcript NM_080424.4 (MANE Select); coding-DNA position 2100, T replaced by C.
Protein change: p.Gly700=; no amino-acid change (glycine 700 retained).
Molecular consequence: synonymous variant.
Genome position (GRCh38, 1-based): chr2:230,169,166, A>G on the plus strand (T>C on the coding strand, the complement: SP110 is on the minus strand). VCF-style: chr2-230169166-A-G. GRCh37 (hg19) VCF-style: chr2-231033882-A-G.
Other names: c.2196T>C, p.Gly732= (NM_001378442.1); c.2178T>C, p.Gly726= (NM_001378443.1); c.2118T>C, p.Gly706= (NM_001378444.1); c.2046T>C, p.Gly682= (NM_001378445.1); c.1905T>C, p.Gly635= (NM_001378446.1); c.2028T>C, p.Gly676= (NM_004509.5).
Identifiers: ClinVar variation 750607 (VCV000750607.12), dbSNP rs770898382, ClinGen allele CA2154239.